The following is an entry in ClinVar:

NM_005902.4(SMAD3):c.990dup (p.Val331fs)

Gene: SMAD3 (SMAD family member 3; plus strand). Cytogenetic location: 15q22.33.
Variant type: Duplication.
Coding change: c.990dup on transcript NM_005902.4 (MANE Select); coding-DNA position 990, one base duplicated (C; older notation c.990dupC).
Protein change: p.Val331fs; shifts the reading frame from valine 331.
Molecular consequence: frameshift variant.
Genome position (GRCh38, 1-based): chr15:67,184,845, C duplicated; the last of 2 consecutive C bases (chr15:67,184,844-67,184,845); duplicating either gives the same sequence. VCF-style (leftmost placement, unchanged base first): chr15-67184843-A-AC. GRCh37 (hg19) VCF-style: chr15-67477181-A-AC.
Other names: c.990dupC (NM_005902.3); c.675dup, p.Val226fs (NM_001145102.2); c.858dup, p.Val287fs (NM_001145103.2); c.405dup, p.Val136fs (NM_001145104.2); short protein forms V331fs, V287fs, V136fs, V226fs.
Identifiers: ClinVar variation 213787 (VCV000213787.10), dbSNP rs863223754, ClinGen allele CA322583.

ClinVar aggregate classification (germline): Pathogenic. Review status: criteria provided, multiple submitters, no conflicts (2 of 4 stars). 2 submissions from 2 submitters: Pathogenic (2). Last evaluated 2022-12-21.

Conditions:
Familial thoracic aortic aneurysm and aortic dissection (TAAD). Also called: Thoracic aortic aneurysms and dissections. Identifiers: Orphanet 91387, MedGen C4707243, MONDO:0019625.

Submissions (2):

Labcorp Genetics (formerly Invitae), Labcorp
Classification: Pathogenic for Familial thoracic aortic aneurysm and aortic dissection. Last evaluated: 2022-12-21. Review status: criteria provided, single submitter. Criteria: Invitae Variant Classification Sherloc (09022015). Collection method: clinical testing. Allele origin: germline.
Comment: For these reasons, this variant has been classified as Pathogenic. ClinVar contains an entry for this variant (Variation ID: 213787). This variant has not been reported in the literature in individuals affected with SMAD3-related conditions. This sequence change creates a premature translational stop signal (p.Val331Argfs*31) in the SMAD3 gene. It is expected to result in an absent or disrupted protein product. Loss-of-function variants in SMAD3 are known to be pathogenic (PMID: 21778426, 24804794). This variant is not present in population databases (gnomAD no frequency).

Stanford Center for Inherited Cardiovascular Disease, Stanford University
Classification: Pathogenic. Last evaluated: 2017-07-13. Review status: criteria provided, single submitter. Criteria: ACMG Guidelines, 2015. Collection method: provider interpretation. Allele origin: germline.

Literature cited by the submitters: PubMed 21778426 (cited by Labcorp Genetics (formerly Invitae), Labcorp); PubMed 24804794 (cited by Labcorp Genetics (formerly Invitae), Labcorp).